The following is an entry in ClinVar:

NM_004369.4(COL6A3):c.3611_3612inv (p.Arg1204Thr)

Gene: COL6A3 (collagen type VI alpha 3 chain; minus strand). Cytogenetic location: 2q37.3.
Variant type: Inversion.
Coding change: c.3611_3612inv on transcript NM_004369.4 (MANE Select).
Protein change: p.Arg1204Thr; replaces arginine 1204 with threonine.
Molecular consequence: missense variant.
Genome position: GRCh38 VCF-style: chr2-237374479-CC-GG. GRCh37 (hg19) VCF-style: chr2-238283122-CC-GG.
Other names: c.3611_3612delinsCC (NM_004369.3); c.2390_2391inv, p.Arg797Thr (NM_057164.5); c.2993_2994inv, p.Arg998Thr (NM_057165.5, NM_057167.4); c.1790_1791inv, p.Arg597Thr (NM_057166.5); short protein forms R1204T, R597T, R797T, R998T.
Identifiers: ClinVar variation 4528202 (VCV004528202.1).
Genomic context (GRCh38, chr2:237,374,479, plus strand): 5'-CGGTAGAGGCTGCAACACCGGCTGCAGCCTGCTCAGCTCCTCGCGGGTGAGCTGGGTCAC[CC>GG]TCTCAGAGATGACCTGTTGGACGGTCCCCAGCTGGCGAAAGGTGGGAATGGCCACGGCAA-3'
Protein context (NP_004360.2, residues 1194-1214): LGTVQQVISE[Arg1204Thr]VTQLTREELS

ClinVar aggregate classification (germline): Uncertain significance (1 of 4 stars; one submission).

Submission:

GeneDx
Classification: Uncertain significance. Last evaluated: 2025-05-09. Review status: criteria provided, single submitter. Criteria: GeneDx Variant Classification Process June 2021. Collection method: clinical testing. Allele origin: germline. Affected: yes.
Comment: Not observed at significant frequency in large population cohorts (gnomAD); In silico analysis supports a deleterious effect on protein structure/function; Has not been previously published as pathogenic or benign to our knowledge